The following is an entry in ClinVar:

ClinVar aggregate classification (germline): Uncertain significance. Review status: criteria provided, multiple submitters, no conflicts (2 of 4 stars). 2 submissions from 2 submitters: Uncertain significance (2). Last evaluated 2021-06-15.

Conditions:
Autosomal recessive nonsyndromic hearing loss 77. Identifiers: Orphanet 90636, MedGen C2746083, MONDO:0013119, OMIM 613079.

Allele frequency attached by ClinVar (database versions not stated): gnomAD 0.00001.
gnomAD v4.1: 19 of 1,551,626 alleles (0.0012%); highest among the groups gnomAD compares: Non-Finnish European, 0.0017%; no homozygotes.

Submissions (2):

Labcorp Genetics (formerly Invitae), Labcorp
Classification: Uncertain significance. Last evaluated: 2021-06-15. Review status: criteria provided, single submitter. Criteria: Invitae Variant Classification Sherloc (09022015). Collection method: clinical testing. Allele origin: germline.
Comment: This sequence change replaces glycine with arginine at codon 1669 of the LOXHD1 protein (p.Gly1669Arg). The glycine residue is highly conserved and there is a moderate physicochemical difference between glycine and arginine. This variant is not present in population databases (ExAC no frequency). This variant has not been reported in the literature in individuals with LOXHD1-related disease. Algorithms developed to predict the effect of missense changes on protein structure and function do not agree on the potential impact of this missense change (SIFT: "Deleterious"; PolyPhen-2: "Possibly Damaging"; Align-GVGD: "Class C0"). In summary, the available evidence is currently insufficient to determine the role of this variant in disease. Therefore, it has been classified as a Variant of Uncertain Significance.

Illumina Laboratory Services, Illumina
Classification: Uncertain significance for Autosomal recessive nonsyndromic hearing loss 77. Last evaluated: 2017-04-27. Review status: criteria provided, single submitter. Criteria: ICSL Variant Classification Criteria 13 December 2019. Collection method: clinical testing. Allele origin: germline.
Comment: This variant was observed as part of a predisposition screen in an ostensibly healthy population. A literature search was performed for the gene, cDNA change, and amino acid change (where applicable). Publications were found based on this search. However, the evidence from the literature, in combination with allele frequency data from public databases where available, was not sufficient to rule this variant in or out of causing disease. Therefore, this variant is classified as a variant of unknown significance.

Literature cited by the submitters: PubMed 22341973 (cited by Illumina Laboratory Services, Illumina).

NM_001384474.1(LOXHD1):c.5005G>C (p.Gly1669Arg)

Gene: LOXHD1 (lipoxygenase homology PLAT domains 1; minus strand). Cytogenetic location: 18q21.1.
Variant type: single nucleotide variant.
Coding change: c.5005G>C on transcript NM_001384474.1 (MANE Select); coding-DNA position 5005, G replaced by C.
Protein change: p.Gly1669Arg; replaces glycine 1669 with arginine.
Molecular consequence: missense variant.
Genome position (GRCh38, 1-based): chr18:46,522,181, C>G on the plus strand (G>C on the coding strand, the complement: LOXHD1 is on the minus strand). VCF-style: chr18-46522181-C-G. GRCh37 (hg19) VCF-style: chr18-44102144-C-G.
Other names: c.1672G>C, p.Gly558Arg (NM_001145472.3); c.1384G>C, p.Gly462Arg (NM_001308013.2); c.5005G>C, p.Gly1669Arg (NM_144612.7); short protein forms G558R, G1669R, G462R.
Identifiers: ClinVar variation 889860 (VCV000889860.5), dbSNP rs1169003694, ClinGen allele CA402371722.